The following is an entry in ClinVar:

ClinVar aggregate classification (germline): Uncertain significance. Review status: criteria provided, multiple submitters, no conflicts (2 of 4 stars). 2 submissions from 2 submitters: Uncertain significance (2). Last evaluated 2026-06-23.

Conditions:
Mitochondrial complex II deficiency, nuclear type 1. Also called: SUCCINATE CoQ REDUCTASE DEFICIENCY. Identifiers: Orphanet 3208, MedGen C5700310, MONDO:0100294, OMIM 252011.
Pheochromocytoma/paraganglioma syndrome 5. Also called: Paragangliomas 5; SDHA-Related Hereditary Paraganglioma-Pheochromocytoma Syndrome. Identifiers: Orphanet 29072, MedGen C3279992, MONDO:0013602, OMIM 614165.
Hereditary cancer-predisposing syndrome. Also called: Hereditary Cancer Syndrome; Tumor predisposition; Neoplastic Syndromes, Hereditary; Hereditary neoplastic syndrome. Identifiers: Orphanet 140162, MedGen C0027672, MeSH D009386, MONDO:0015356.

Submissions (2):

Ambry Genetics
Classification: Uncertain significance for Hereditary cancer-predisposing syndrome. Last evaluated: 2026-06-23. Review status: criteria provided, single submitter. Criteria: Ambry Variant Classification Scheme 2023. Collection method: clinical testing. Allele origin: germline.
Comment: The p.A88T variant (also known as c.262G>A), located in coding exon 3 of the SDHA gene, results from a G to A substitution at nucleotide position 262. The alanine at codon 88 is replaced by threonine, an amino acid with similar properties. This amino acid position is highly conserved in available vertebrate species. In addition, this alteration is predicted to be deleterious by in silico analysis. Based on the available evidence, the clinical significance of this variant remains unclear.

Labcorp Genetics (formerly Invitae), Labcorp
Classification: Uncertain significance for Pheochromocytoma/paraganglioma syndrome 5; Mitochondrial complex II deficiency, nuclear type 1. Last evaluated: 2024-05-01. Review status: criteria provided, single submitter. Criteria: Invitae Variant Classification Sherloc (09022015). Collection method: clinical testing. Allele origin: germline.
Comment: This sequence change replaces alanine, which is neutral and non-polar, with threonine, which is neutral and polar, at codon 88 of the SDHA protein (p.Ala88Thr). This variant is not present in population databases (gnomAD no frequency). This variant has not been reported in the literature in individuals affected with SDHA-related conditions. ClinVar contains an entry for this variant (Variation ID: 1521662). Advanced modeling of protein sequence and biophysical properties (such as structural, functional, and spatial information, amino acid conservation, physicochemical variation, residue mobility, and thermodynamic stability) has been performed at Invitae for this missense variant, however the output from this modeling did not meet the statistical confidence thresholds required to predict the impact of this variant on SDHA protein function. In summary, the available evidence is currently insufficient to determine the role of this variant in disease. Therefore, it has been classified as a Variant of Uncertain Significance.

NM_004168.4(SDHA):c.262G>A (p.Ala88Thr)

Gene: SDHA (succinate dehydrogenase complex flavoprotein subunit A; plus strand). Cytogenetic location: 5p15.33.
Variant type: single nucleotide variant.
Coding change: c.262G>A on transcript NM_004168.4 (MANE Select); coding-DNA position 262, G replaced by A.
Protein change: p.Ala88Thr; replaces alanine 88 with threonine.
Molecular consequence: missense variant.
Genome position (GRCh38, 1-based): chr5:224,471, G>A. VCF-style: chr5-224471-G-A. GRCh37 (hg19) VCF-style: chr5-224586-G-A.
Other names: c.262G>A, p.Ala88Thr (NM_001294332.2, NM_001330758.2); c.262G>A (NM_004168.2); short protein forms A88T.
Identifiers: ClinVar variation 1521662 (VCV001521662.9), dbSNP rs2126543077, ClinGen allele CA359008595.